The following is an entry in ClinVar:

ClinVar aggregate classification (germline): Likely benign (1 of 4 stars; one submission).

gnomAD v4.1: 126 of 1,614,018 alleles (0.0078%); highest among the groups gnomAD compares: African/African-American, 0.12%; no homozygotes.

Submission:

CeGaT Center for Human Genetics Tuebingen
Classification: Likely benign. Last evaluated: 2026-09-01. Review status: criteria provided, single submitter. Criteria: CeGaT Center For Human Genetics Tuebingen Variant Classification Criteria Version 2. Collection method: clinical testing. Allele origin: germline. Affected: yes. Observed: 1 variant allele.
Comment: DOCK4: BP4

NM_001363540.2(DOCK4):c.5446G>T (p.Val1816Leu)

Gene: DOCK4 (dedicator of cytokinesis 4; minus strand). Cytogenetic location: 7q31.1.
Variant type: single nucleotide variant.
Coding change: c.5446G>T on transcript NM_001363540.2 (MANE Select); coding-DNA position 5446, G replaced by T.
Protein change: p.Val1816Leu; replaces valine 1816 with leucine.
Molecular consequence: missense variant.
Genome position (GRCh38, 1-based): chr7:111,732,261, C>A on the plus strand (G>T on the coding strand, the complement: DOCK4 is on the minus strand). VCF-style: chr7-111732261-C-A. GRCh37 (hg19) VCF-style: chr7-111372317-C-A.
Other names: c.5419G>T, p.Val1807Leu (NM_014705.4); short protein forms V1807L, V1816L.
Identifiers: ClinVar variation 5041137 (VCV005041137.1).